The following is an entry in ClinVar:

ClinVar aggregate classification (germline): Uncertain significance (1 of 4 stars; one submission).

Submission:

GeneDx
Classification: Uncertain significance. Last evaluated: 2026-04-23. Review status: criteria provided, single submitter. Criteria: GeneDx Variant Classification Process June 2021. Collection method: clinical testing. Allele origin: germline.
Comment: Not observed at significant frequency in large population cohorts (gnomAD); Frameshift variant predicted to result in protein truncation or nonsense mediated decay in a gene or region of a gene for which loss of function is not a well-established mechanism of disease; Has not been previously published as pathogenic or benign to our knowledge

NM_001382241.1(TNPO2):c.1471_1472del (p.Lys491fs)

Gene: TNPO2 (transportin 2; minus strand). Cytogenetic location: 19p13.13.
Variant type: Deletion.
Coding change: c.1471_1472del on transcript NM_001382241.1 (MANE Select); coding-DNA positions 1471 to 1472, 2 bases deleted (AA; older notation c.1471_1472delAA).
Protein change: p.Lys491fs; shifts the reading frame from lysine 491.
Molecular consequence: frameshift variant. On other transcripts: non-coding transcript variant (6).
Genome position (GRCh38, 1-based): chr19:12,706,594-12,706,595, TT deleted on the plus strand (AA on the coding strand, the reverse complement: TNPO2 is on the minus strand). VCF-style (leftmost placement, unchanged base first): chr19-12706593-CTT-C. GRCh37 (hg19) VCF-style: chr19-12817407-CTT-C.
Other names: c.1471_1472del, p.Lys491fs (NM_001136195.2, NM_001136196.2, NM_001382236.1 and 7 more transcripts); short protein forms K491fs.
Identifiers: ClinVar variation 5037540 (VCV005037540.1).
Genomic context (GRCh38, chr19:12,706,593, plus strand): 5'-GAGAGTGGGGGCTGTGGGATCAGGGGTCCAGGGTCACCTGCAGGCCGCCTCCTGTACCCT[CTT>C]GTTGCCATCCAGGATGCGTTTGAGCAGCTCTGTCATCAGGGGCTTGAGGTGCATGTCGGG-3'